The following is an entry in ClinVar:

ClinVar aggregate classification (germline): Uncertain significance (0 of 4 stars; one submission).

Conditions:
NPC2-related disorder. Also called: NPC2-related condition.

gnomAD v4.1: 10 of 1,292,622 alleles (0.00077%); highest among the groups gnomAD compares: Admixed American, 0.0017%; no homozygotes.

Submission:

PreventionGenetics, part of Exact Sciences
Classification: Uncertain significance for NPC2-related condition. Last evaluated: 2024-08-26. Review status: no assertion criteria provided. Collection method: clinical testing. Allele origin: germline.
Comment: The NPC2 c.507A>T variant is predicted to result in the amino acid substitution p.Glu169Asp. To our knowledge, this variant has not been reported in the literature. This variant is reported in 0.0029% of alleles in individuals of Latino descent in gnomAD. At this time, the clinical significance of this variant is uncertain due to the absence of conclusive functional and genetic evidence.

NM_006432.5(NPC2):c.441+66A>T

Gene: NPC2 (NPC intracellular cholesterol transporter 2; minus strand). Cytogenetic location: 14q24.3.
Variant type: single nucleotide variant.
Coding change: c.441+66A>T on transcript NM_006432.5 (MANE Select); 66 bases into the intron after coding-DNA position 441, A replaced by T.
Molecular consequence: intron variant. On other transcripts: missense variant (1).
Genome position (GRCh38, 1-based): chr14:74,480,636, T>A on the plus strand (A>T on the coding strand, the complement: NPC2 is on the minus strand). VCF-style: chr14-74480636-T-A. GRCh37 (hg19) VCF-style: chr14-74947339-T-A.
Other names: c.507A>T, p.Glu169Asp (NM_001363688.1); c.364-348A>T (NM_001375440.1); short protein forms E169D.
Identifiers: ClinVar variation 3357165 (VCV003357165.1).
Genomic context (GRCh38, chr14:74,480,636, plus strand): 5'-GGTTGAGAGGCATAAAACAGCAGTCTTGAAATTCCTTTTATCTTATGGCACTGATTTAGT[T>A]TCAGTCTGATTTCTCCTCCACTTTCTTCCCTCCACCCATGCCCTCTCACCCCCAGATAGA-3'